The following is an entry in ClinVar:

ClinVar aggregate classification (germline): Uncertain significance (1 of 4 stars; one submission).

Conditions:
Primary ciliary dyskinesia. Also called: Ciliary dyskinesia. Identifiers: Orphanet 244, MedGen C0008780, MONDO:0016575, HP:0012265.

Submission:

Ambry Genetics
Classification: Uncertain significance for Primary ciliary dyskinesia. Last evaluated: 2024-10-04. Review status: criteria provided, single submitter. Criteria: Ambry Variant Classification Scheme 2023. Collection method: clinical testing. Allele origin: germline.
Comment: The p.E26Q variant (also known as c.76G>C), located in coding exon 1 of the DNAAF1 gene, results from a G to C substitution at nucleotide position 76. The glutamic acid at codon 26 is replaced by glutamine, an amino acid with highly similar properties. This amino acid position is conserved. In addition, this alteration is predicted to be tolerated by in silico analysis. Based on the available evidence, the clinical significance of this variant remains unclear.

NM_178452.6(DNAAF1):c.76G>C (p.Glu26Gln)

Gene: DNAAF1 (dynein axonemal assembly factor 1; plus strand). Cytogenetic location: 16q24.1.
Variant type: single nucleotide variant.
Coding change: c.76G>C on transcript NM_178452.6 (MANE Select); coding-DNA position 76, G replaced by C.
Protein change: p.Glu26Gln; replaces glutamic acid 26 with glutamine.
Molecular consequence: missense variant.
Genome position (GRCh38, 1-based): chr16:84,145,516, G>C. VCF-style: chr16-84145516-G-C. GRCh37 (hg19) VCF-style: chr16-84179121-G-C.
Other names: short protein forms E26Q.
Identifiers: ClinVar variation 3502848 (VCV003502848.1).
Genomic context (GRCh38, chr16:84,145,516, plus strand): 5'-TCGGAGCCTGCGACAGGTGGTGCAGCAGAGCTGGATTGCGCGCAGGAGCCCGGCGTGGAG[G>C]AGTCTGCGGGTGACCACGGGAGCGCAGGCCGAGGGGGCTGCAAGGAAGGTGCCGACTGCC-3'
Protein context (NP_848547.4, residues 16-36): LDCAQEPGVE[Glu26Gln]SAGDHGSAGR